The following is an entry in ClinVar:

NM_000202.8(IDS):c.181T>C (p.Ser61Pro)

Gene: IDS (iduronate 2-sulfatase; minus strand). Cytogenetic location: Xq28.
Variant type: single nucleotide variant.
Coding change: c.181T>C on transcript NM_000202.8 (MANE Select); coding-DNA position 181, T replaced by C.
Protein change: p.Ser61Pro; replaces serine 61 with proline.
Molecular consequence: missense variant. On other transcripts: 5 prime UTR variant (1), non-coding transcript variant (1).
Genome position (GRCh38, 1-based): chrX:149,504,216, A>G on the plus strand (T>C on the coding strand, the complement: IDS is on the minus strand). VCF-style: chrX-149504216-A-G. GRCh37 (hg19) VCF-style: chrX-148585746-A-G.
Other names: c.-46T>C (NM_001166550.4); c.181T>C, p.Ser61Pro (NM_006123.5); short protein forms S61P.
Identifiers: ClinVar variation 221205 (VCV000221205.46), dbSNP rs113993955, ClinGen allele CA350785.
Genomic context (GRCh38, chrX:149,504,216, plus strand): 5'-CCTGCGCAAAGGCATTCTGGAAGAGGAGGCTGTGGGATGCCAGTTGGTCAATATTTGGGG[A>G]CCTCACCAGCTTATCCCCATAACAGCCCAGGGAGGGGCGCAGGTCATCCACGATGATGAG-3'
Protein context (NP_000193.1, residues 51-71): LGCYGDKLVR[Ser61Pro]PNIDQLASHS

ClinVar aggregate classification (germline): Pathogenic/Likely pathogenic. Review status: criteria provided, multiple submitters, no conflicts (2 of 4 stars). 4 submissions from 4 submitters: Pathogenic (3); Likely pathogenic (1). Last evaluated 2024-06-07.

Conditions:
Mucopolysaccharidosis, MPS-II (MPS2). Also called: Hunter Syndrome; IDURONATE 2-SULFATASE DEFICIENCY; Mucopolysaccharidosis type 2; IDS deficiency; Sulfoiduronate sulfatase deficiency; SIDS deficiency. Identifiers: Orphanet 580, Orphanet 79388, MedGen C0026705, MONDO:0010674, OMIM 309900.

Submissions (4):

Laboratory of Diagnosis and Therapy of Lysosomal Disorders, University of Padova
Classification: Likely pathogenic for Mucopolysaccharidosis, MPS-II. Last evaluated: 2024-06-07. Review status: criteria provided, single submitter. Criteria: ACMG Guidelines, 2015. Collection method: literature only. Allele origin: germline. Affected: yes. Observed: 3 variant alleles.
Comment: Absent from controls (or at low frequency) in gnomAD database (PM2_Moderate), Missense variant in a gene with a low rate of benign missense variation (PP2_Supporting), Multiple lines of computational evidence support a deleterious effect (PP3_Supporting), Patient’s phenotype or family history highly specific for the disease (PP4_Moderate)

Classification method: ACMG Guidelines [PMID:25741868] with modifications

Genome-Nilou Lab
Classification: Pathogenic for Mucopolysaccharidosis, MPS-II. Last evaluated: 2021-09-05. Review status: criteria provided, single submitter. Criteria: ACMG Guidelines, 2015. Collection method: clinical testing. Allele origin: germline. Affected: no.

CeGaT Center for Human Genetics Tuebingen
Classification: Pathogenic. Last evaluated: 2018-12-01. Review status: criteria provided, single submitter. Criteria: CeGaT Center For Human Genetics Tuebingen Variant Classification Criteria Version 2. Collection method: clinical testing. Allele origin: germline. Affected: yes. Observed: 1 variant allele.

IIFP, CONICET-UNLP
Classification: Pathogenic for Mucopolysaccharidosis, MPS-II. Last evaluated: 2010-01-27. Review status: criteria provided, single submitter. Criteria: ACMG Guidelines, 2007. Collection method: research. Allele origin: maternal. Inheritance: X-linked inheritance. Affected: yes. Observed: 1 variant allele.

Literature cited by the submitters: PubMed 27896113 (cited by Laboratory of Diagnosis and Therapy of Lysosomal Disorders, University of Padova); PubMed 21834048 (cited by Laboratory of Diagnosis and Therapy of Lysosomal Disorders, University of Padova); PubMed 21291454 (cited by Laboratory of Diagnosis and Therapy of Lysosomal Disorders, University of Padova); DOI 10.1016/j.ymgmr.2014.08.006 (cited by IIFP, CONICET-UNLP).